The following is an entry in ClinVar:

NM_006254.4(PRKCD):c.1448G>A (p.Arg483Gln)

Gene: PRKCD (protein kinase C delta; plus strand). Cytogenetic location: 3p21.1.
Variant type: single nucleotide variant.
Coding change: c.1448G>A on transcript NM_006254.4 (MANE Select); coding-DNA position 1448, G replaced by A.
Protein change: p.Arg483Gln; replaces arginine 483 with glutamine.
Molecular consequence: missense variant.
Genome position (GRCh38, 1-based): chr3:53,188,752, G>A. VCF-style: chr3-53188752-G-A. GRCh37 (hg19) VCF-style: chr3-53222768-G-A.
Other names: c.1448G>A, p.Arg483Gln (LRG_1327t1, NM_001316327.2, NM_001354679.2 and 2 more transcripts); c.1505G>A, p.Arg502Gln (NM_001354676.2); c.1496G>A, p.Arg499Gln (NM_001354678.2); short protein forms R483Q, R499Q, R502Q.
Identifiers: ClinVar variation 252661 (VCV000252661.7), dbSNP rs879255393, ClinGen allele CA10585980.

ClinVar aggregate classification (germline): Conflicting classifications of pathogenicity. Review status: criteria provided, conflicting classifications (1 of 4 stars). 3 submissions from 3 submitters: Uncertain significance (2); Likely benign (1). Last evaluated 2023-12-06.

Conditions:
Inborn genetic diseases. Identifiers: MedGen C0950123, MeSH D030342.
Autoimmune lymphoproliferative syndrome, type III caused by mutation in PRKCD. Identifiers: Orphanet 3261, Orphanet 664711, MedGen C3809928, MONDO:8000024, OMIM 615559.

Allele frequency attached by ClinVar (database versions not stated): gnomAD 0.00001; gnomAD exomes 0.00002; TOPMed 0.00002.
gnomAD v4.1: 32 of 1,614,046 alleles (0.002%); highest among the groups gnomAD compares: Non-Finnish European, 0.0021%; no homozygotes.

Submissions (3):

Labcorp Genetics (formerly Invitae), Labcorp
Classification: Uncertain significance for Autoimmune lymphoproliferative syndrome, type III caused by mutation in PRKCD. Last evaluated: 2023-12-06. Review status: criteria provided, single submitter. Criteria: Invitae Variant Classification Sherloc (09022015). Collection method: clinical testing. Allele origin: germline.
Comment: This sequence change replaces arginine, which is basic and polar, with glutamine, which is neutral and polar, at codon 483 of the PRKCD protein (p.Arg483Gln). This variant is present in population databases (no rsID available, gnomAD 0.01%). This variant has not been reported in the literature in individuals affected with PRKCD-related conditions. ClinVar contains an entry for this variant (Variation ID: 252661). Algorithms developed to predict the effect of missense changes on protein structure and function output the following: SIFT: "Not Available"; PolyPhen-2: "Benign"; Align-GVGD: "Not Available". The glutamine amino acid residue is found in multiple mammalian species, which suggests that this missense change does not adversely affect protein function. In summary, the available evidence is currently insufficient to determine the role of this variant in disease. Therefore, it has been classified as a Variant of Uncertain Significance.

Ambry Genetics
Classification: Likely benign for Inborn genetic diseases. Last evaluated: 2023-02-15. Review status: criteria provided, single submitter. Criteria: Ambry Variant Classification Scheme 2023. Collection method: clinical testing. Allele origin: germline.

Genomic Diagnostic Laboratory, Division of Genomic Diagnostics, Children's Hospital of Philadelphia
Classification: Uncertain significance. Last evaluated: 2015-09-28. Review status: criteria provided, single submitter. Criteria: DGD Variant Analysis Guidelines. Collection method: clinical testing. Allele origin: unknown.